The following is an entry in ClinVar:

ClinVar aggregate classification (germline): Uncertain significance (1 of 4 stars; one submission).

gnomAD v4.1: 12 of 1,613,626 alleles (0.00074%); highest among the groups gnomAD compares: African/African-American, 0.0067%; no homozygotes.

Submission:

Labcorp Genetics (formerly Invitae), Labcorp
Classification: Uncertain significance. Last evaluated: 2024-04-15. Review status: criteria provided, single submitter. Criteria: Invitae Variant Classification Sherloc (09022015). Collection method: clinical testing. Allele origin: germline.
Comment: This sequence change replaces arginine, which is basic and polar, with histidine, which is basic and polar, at codon 321 of the DPF2 protein (p.Arg321His). This variant is present in population databases (rs772219515, gnomAD 0.008%). This variant has not been reported in the literature in individuals affected with DPF2-related conditions. An algorithm developed to predict the effect of missense changes on protein structure and function (PolyPhen-2) suggests that this variant is likely to be disruptive. In summary, the available evidence is currently insufficient to determine the role of this variant in disease. Therefore, it has been classified as a Variant of Uncertain Significance.

NM_006268.5(DPF2):c.962G>A (p.Arg321His)

Gene: DPF2 (double PHD fingers 2; plus strand). Cytogenetic location: 11q13.1.
Variant type: single nucleotide variant.
Coding change: c.962G>A on transcript NM_006268.5 (MANE Select); coding-DNA position 962, G replaced by A.
Protein change: p.Arg321His; replaces arginine 321 with histidine.
Molecular consequence: missense variant.
Genome position (GRCh38, 1-based): chr11:65,346,304, G>A. VCF-style: chr11-65346304-G-A. GRCh37 (hg19) VCF-style: chr11-65113775-G-A.
Other names: c.1004G>A, p.Arg335His (NM_001330308.2); short protein forms R321H, R335H.
Identifiers: ClinVar variation 3628984 (VCV003628984.2).